The following is an entry in ClinVar:

NM_000083.3(CLCN1):c.685G>A (p.Val229Met)

Gene: CLCN1 (chloride voltage-gated channel 1; plus strand). Cytogenetic location: 7q34.
Variant type: single nucleotide variant.
Coding change: c.685G>A on transcript NM_000083.3 (MANE Select); coding-DNA position 685, G replaced by A.
Protein change: p.Val229Met; replaces valine 229 with methionine.
Molecular consequence: missense variant. On other transcripts: non-coding transcript variant (1).
Genome position (GRCh38, 1-based): chr7:143,321,837, G>A. VCF-style: chr7-143321837-G-A. GRCh37 (hg19) VCF-style: chr7-143018930-G-A.
Other names: c.685G>A (NM_000083.2); short protein forms V229M.
Identifiers: ClinVar variation 1000597 (VCV001000597.13), dbSNP rs761601545, ClinGen allele CA4537035.

ClinVar aggregate classification (germline): Pathogenic/Likely pathogenic. Review status: criteria provided, multiple submitters, no conflicts (2 of 4 stars). 3 submissions from 3 submitters: Pathogenic (1); Likely pathogenic (2). Last evaluated 2025-06-08.

Conditions:
Congenital myotonia, autosomal recessive form. Also called: BECKER DISEASE; Becker Generalized Myotonia; myotonia congenita, autosomal recessive. Identifiers: Orphanet 614, MedGen C0751360, MONDO:0009715, OMIM 255700.
Congenital myotonia, autosomal dominant form (THD). Also called: THOMSEN DISEASE; Myotonia congenita autosomal dominant. Identifiers: Orphanet 614, MedGen C2936781, MONDO:0008055, OMIM 160800.

Allele frequency attached by ClinVar (database versions not stated): TOPMed 0.00001.

Submissions (3):

Labcorp Genetics (formerly Invitae), Labcorp
Classification: Pathogenic for Congenital myotonia, autosomal recessive form; Congenital myotonia, autosomal dominant form. Last evaluated: 2025-06-08. Review status: criteria provided, single submitter. Criteria: Invitae Variant Classification Sherloc (09022015). Collection method: clinical testing. Allele origin: germline.
Comment: This sequence change replaces valine, which is neutral and non-polar, with methionine, which is neutral and non-polar, at codon 229 of the CLCN1 protein (p.Val229Met). This variant is present in population databases (rs761601545, gnomAD 0.0009%). This missense change has been observed in individual(s) with autosomal recessive myotonia congenita (PMID: 26260254; internal data). In at least one individual the data is consistent with being in trans (on the opposite chromosome) from a pathogenic variant. It has also been observed to segregate with disease in related individuals. ClinVar contains an entry for this variant (Variation ID: 1000597). Invitae Evidence Modeling of protein sequence and biophysical properties (such as structural, functional, and spatial information, amino acid conservation, physicochemical variation, residue mobility, and thermodynamic stability) has been performed for this missense variant. However, the output from this modeling did not meet the statistical confidence thresholds required to predict the impact of this variant on CLCN1 protein function. For these reasons, this variant has been classified as Pathogenic.

Women's Health and Genetics/Laboratory Corporation of America, LabCorp
Classification: Likely pathogenic for Congenital myotonia, autosomal recessive form. Last evaluated: 2024-09-10. Review status: criteria provided, single submitter. Criteria: LabCorp Variant Classification Summary - May 2015. Collection method: clinical testing. Allele origin: germline.
Comment: Variant summary: CLCN1 c.685G>A (p.Val229Met) results in a conservative amino acid change in the encoded protein sequence. Three of five in-silico tools predict a damaging effect of the variant on protein function. The variant allele was found at a frequency of 4e-06 in 251050 control chromosomes. c.685G>A has been reported in the literature in at least two compound heterozygous siblings and an unrelated homozygous individual affected with autosomal recessive Myotonia congenita (e.g. Liu_2015, Gorukmez_2023). These data indicate that the variant is likely to be associated with disease. To our knowledge, no experimental evidence demonstrating an impact on protein function has been reported. The following publications have been ascertained in the context of this evaluation (PMID: 26260254, 36964972). ClinVar contains an entry for this variant (Variation ID: 1000597). Based on the evidence outlined above, the variant was classified as likely pathogenic.

Revvity Omics, Revvity
Classification: Likely pathogenic. Last evaluated: 2023-06-30. Review status: criteria provided, single submitter. Criteria: ACMG Guidelines, 2015. Collection method: clinical testing. Allele origin: germline.

Literature cited by the submitters: PubMed 26260254 (cited by Labcorp Genetics (formerly Invitae), Labcorp and Women's Health and Genetics/Laboratory Corporation of America, LabCorp); PubMed 36964972 (cited by Women's Health and Genetics/Laboratory Corporation of America, LabCorp).